The following is an entry in ClinVar:

ClinVar aggregate classification (germline): Uncertain significance (1 of 4 stars; one submission).

Conditions:
Spondyloepimetaphyseal dysplasia, PAPSS2 type. Also called: SEMD, PAKISTANI TYPE; BRACHYOLMIA TYPE 4 WITH MILD EPIPHYSEAL AND METAPHYSEAL CHANGES; SPONDYLODYSPLASIA AND PREMATURE PUBARCHE. Identifiers: Orphanet 93282, MedGen C2748516, MONDO:0019666, OMIM 612847.

Allele frequency attached by ClinVar (database versions not stated): gnomAD 0.00001; TOPMed 0.00002.
gnomAD v4.1: 2 of 1,612,652 alleles (0.00012%); highest among the groups gnomAD compares: African/African-American, 0.0013%; no homozygotes.

Submission:

Labcorp Genetics (formerly Invitae), Labcorp
Classification: Uncertain significance for Spondyloepimetaphyseal dysplasia, PAPSS2 type. Last evaluated: 2023-08-17. Review status: criteria provided, single submitter. Criteria: Invitae Variant Classification Sherloc (09022015). Collection method: clinical testing. Allele origin: germline.
Comment: This sequence change replaces aspartic acid, which is acidic and polar, with glutamic acid, which is acidic and polar, at codon 568 of the PAPSS2 protein (p.Asp568Glu). This variant is not present in population databases (gnomAD no frequency). This variant has not been reported in the literature in individuals affected with PAPSS2-related conditions. ClinVar contains an entry for this variant (Variation ID: 1043226). An algorithm developed to predict the effect of missense changes on protein structure and function (PolyPhen-2) suggests that this variant is likely to be tolerated. In summary, the available evidence is currently insufficient to determine the role of this variant in disease. Therefore, it has been classified as a Variant of Uncertain Significance.

NM_001015880.2(PAPSS2):c.1704C>A (p.Asp568Glu)

Gene: PAPSS2 (3'-phosphoadenosine 5'-phosphosulfate synthase 2; plus strand). Cytogenetic location: 10q23.31.
Variant type: single nucleotide variant.
Coding change: c.1704C>A on transcript NM_001015880.2 (MANE Select); coding-DNA position 1704, C replaced by A.
Protein change: p.Asp568Glu; replaces aspartic acid 568 with glutamic acid.
Molecular consequence: missense variant.
Genome position (GRCh38, 1-based): chr10:87,745,214, C>A. VCF-style: chr10-87745214-C-A. GRCh37 (hg19) VCF-style: chr10-89504971-C-A.
Other names: c.1689C>A, p.Asp563Glu (NM_004670.4); short protein forms D568E, D563E.
Identifiers: ClinVar variation 1043226 (VCV001043226.8), dbSNP rs773771667, ClinGen allele CA377484085.